The following is an entry in ClinVar:

NM_001322934.2(NFKB2):c.221G>A (p.Arg74Gln)

Gene: NFKB2 (nuclear factor kappa B subunit 2; plus strand). Cytogenetic location: 10q24.32.
Variant type: single nucleotide variant.
Coding change: c.221G>A on transcript NM_001322934.2 (MANE Select); coding-DNA position 221, G replaced by A.
Protein change: p.Arg74Gln; replaces arginine 74 with glutamine.
Molecular consequence: missense variant.
Genome position (GRCh38, 1-based): chr10:102,396,801, G>A. VCF-style: chr10-102396801-G-A. GRCh37 (hg19) VCF-style: chr10-104156558-G-A.
Other names: c.221G>A, p.Arg74Gln (NM_001077494.3, NM_001261403.3, NM_001288724.1 and 2 more transcripts); short protein forms R74Q.
Identifiers: ClinVar variation 1362535 (VCV001362535.9), dbSNP rs774802098, ClinGen allele CA212213837.

ClinVar aggregate classification (germline): Uncertain significance. Review status: criteria provided, multiple submitters, no conflicts (2 of 4 stars). 2 submissions from 2 submitters: Uncertain significance (2). Last evaluated 2025-03-07.

Conditions:
NFKB2-related disorder. Also called: NFKB2-related condition.
Immunodeficiency, common variable, 10. Also called: IMMUNODEFICIENCY, COMMON VARIABLE, WITH CENTRAL ADRENAL INSUFFICIENCY; DEFICIT IN ANTERIOR PITUITARY FUNCTION AND VARIABLE IMMUNODEFICIENCY. Identifiers: MedGen C3809991, MONDO:0014260, OMIM 615577.

Allele frequency attached by ClinVar (database versions not stated): TOPMed below 0.00001; gnomAD 0.00001; gnomAD exomes 0.00001.
gnomAD v4.1: 15 of 1,612,704 alleles (0.00093%); highest among the groups gnomAD compares: East Asian, 0.0022%; no homozygotes.

Submissions (2):

PreventionGenetics, part of Exact Sciences
Classification: Uncertain significance for NFKB2-related condition. Last evaluated: 2025-03-07. Review status: criteria provided, single submitter. Criteria: ACMG Guidelines, 2015. Collection method: clinical testing. Allele origin: germline.
Comment: The NFKB2 c.221G>A variant is predicted to result in the amino acid substitution p.Arg74Gln. To our knowledge, this variant has not been reported in the literature. This variant is reported in 0.064% of alleles in individuals of East Asian descent in gnomAD. At this time, the clinical significance of this variant is uncertain due to the absence of conclusive functional and genetic evidence.

Labcorp Genetics (formerly Invitae), Labcorp
Classification: Uncertain significance for Immunodeficiency, common variable, 10. Last evaluated: 2021-07-04. Review status: criteria provided, single submitter. Criteria: Invitae Variant Classification Sherloc (09022015). Collection method: clinical testing. Allele origin: germline.
Comment: This sequence change replaces arginine with glutamine at codon 74 of the NFKB2 protein (p.Arg74Gln). The arginine residue is highly conserved and there is a small physicochemical difference between arginine and glutamine. This variant is not present in population databases (ExAC no frequency). This variant has not been reported in the literature in individuals affected with NFKB2-related conditions. Algorithms developed to predict the effect of missense changes on protein structure and function are either unavailable or do not agree on the potential impact of this missense change (SIFT: "Deleterious"; PolyPhen-2: "Benign"; Align-GVGD: "Class C0"). In summary, the available evidence is currently insufficient to determine the role of this variant in disease. Therefore, it has been classified as a Variant of Uncertain Significance.